The following is an entry in ClinVar:

NM_001039958.2(MESP2):c.421_424dup (p.Ser142fs)

Gene: MESP2 (mesoderm posterior bHLH transcription factor 2; plus strand). Cytogenetic location: 15q26.1.
Variant type: Duplication.
Coding change: c.421_424dup on transcript NM_001039958.2 (MANE Select); coding-DNA positions 421 to 424, 4 bases duplicated (CTCA; older notation c.421_424dupCTCA).
Protein change: p.Ser142fs; shifts the reading frame from serine 142.
Molecular consequence: frameshift variant.
Genome position (GRCh38, 1-based): chr15:89,776,778-89,776,781, CTCA duplicated. VCF-style (leftmost placement, unchanged base first): chr15-89776777-T-TCTCA. GRCh37 (hg19) VCF-style: chr15-90320008-T-TCTCA.
Other names: short protein forms S142fs.
Identifiers: ClinVar variation 4814566 (VCV004814566.1).

ClinVar aggregate classification (germline): Likely pathogenic (1 of 4 stars; one submission).

Conditions:
Spondylocostal dysostosis 2, autosomal recessive (SCDO2). Also called: MESP2-Related Spondylocostal Dysostosis, Autosomal Recessive; Spondylocostal dysostosis type 2. Identifiers: Orphanet 2311, MedGen C1837549, MONDO:0012097, OMIM 608681.

Submission:

Natera, Inc.
Classification: Likely pathogenic for Spondylocostal dysostosis type 2. Last evaluated: 2024-11-15. Review status: criteria provided, single submitter. Criteria: Natera Variant Classification Schema (03/2026). Collection method: clinical testing. Allele origin: germline.
Comment: The c.421_424dup variant in MESP2 is a frameshift variant predicted to shift the reading frame beginning at codon 142 and leads to a stop codon 226 codons downstream. This variant is expected to result in nonsense mediated decay, truncation, or a dysfunctional protein product. This variant is rare in the general population with a frequency below the threshold expected for the associated phenotype(s). Given the available evidence, this variant is classified as Likely Pathogenic.